The following is an entry in ClinVar:

NM_025074.7(FRAS1):c.4183C>T (p.Gln1395Ter)

Gene: FRAS1 (Fraser extracellular matrix complex subunit 1; plus strand). Cytogenetic location: 4q21.21.
Variant type: single nucleotide variant.
Coding change: c.4183C>T on transcript NM_025074.7 (MANE Select); coding-DNA position 4183, C replaced by T.
Protein change: p.Gln1395Ter; replaces glutamine 1395 with a stop codon.
Molecular consequence: nonsense.
Genome position (GRCh38, 1-based): chr4:78,407,716, C>T. VCF-style: chr4-78407716-C-T. GRCh37 (hg19) VCF-style: chr4-79328870-C-T.
Other names: c.4183C>T, p.Gln1395Ter (NM_001166133.2); short protein forms Q1395*.
Identifiers: ClinVar variation 916660 (VCV000916660.6), dbSNP rs1733155852, ClinGen allele CA357377992.

ClinVar aggregate classification (germline): Pathogenic/Likely pathogenic. Review status: criteria provided, multiple submitters, no conflicts (2 of 4 stars). 3 submissions from 3 submitters: Pathogenic (2); Likely pathogenic (1). Last evaluated 2024-02-25.

Conditions:
Fraser syndrome 1 (FRASRS1). Also called: CRYPTOPHTHALMOS WITH OTHER MALFORMATIONS. Identifiers: Orphanet 2052, MedGen C4551480, MONDO:0054737, OMIM 219000.

Allele frequency attached by ClinVar (database versions not stated): TOPMed below 0.00001; gnomAD exomes 0.00001.
gnomAD v4.1: 10 of 1,613,758 alleles (0.00062%); highest among the groups gnomAD compares: Non-Finnish European, 0.00085%; no homozygotes.

Submissions (3):

Labcorp Genetics (formerly Invitae), Labcorp
Classification: Pathogenic. Last evaluated: 2024-02-25. Review status: criteria provided, single submitter. Criteria: Invitae Variant Classification Sherloc (09022015). Collection method: clinical testing. Allele origin: germline.
Comment: This sequence change creates a premature translational stop signal (p.Gln1395*) in the FRAS1 gene. It is expected to result in an absent or disrupted protein product. Loss-of-function variants in FRAS1 are known to be pathogenic (PMID: 12766769, 18671281). This variant is not present in population databases (gnomAD no frequency). This variant has not been reported in the literature in individuals affected with FRAS1-related conditions. ClinVar contains an entry for this variant (Variation ID: 916660). For these reasons, this variant has been classified as Pathogenic.

Fulgent Genetics
Classification: Likely pathogenic for Fraser syndrome 1. Last evaluated: 2024-02-23. Review status: criteria provided, single submitter. Criteria: ACMG Guidelines, 2015. Collection method: clinical testing. Allele origin: germline.

Service de Biochimie Médicale et Biologie Moléculaire, CHU Clermont-Ferrand
Classification: Pathogenic for Fraser syndrome 1. Last evaluated: 2018-09-14. Review status: criteria provided, single submitter. Criteria: ACMG Guidelines, 2015. Collection method: clinical testing. Allele origin: inherited. Inheritance: Autosomal recessive inheritance. Affected: yes.
Comment: This variant in homozygous state or compound heterozygous state induced Fraser syndrome phenotype

Literature cited by the submitters: PubMed 12766769 (cited by Labcorp Genetics (formerly Invitae), Labcorp); PubMed 18671281 (cited by Labcorp Genetics (formerly Invitae), Labcorp).